The following is an entry in ClinVar:

NM_001077418.3(TMEM231):c.715G>C (p.Ala239Pro)

Gene: TMEM231 (transmembrane protein 231; minus strand). Cytogenetic location: 16q23.1.
Variant type: single nucleotide variant.
Coding change: c.715G>C on transcript NM_001077418.3 (MANE Select); coding-DNA position 715, G replaced by C.
Protein change: p.Ala239Pro; replaces alanine 239 with proline.
Molecular consequence: missense variant. On other transcripts: non-coding transcript variant (1).
Genome position (GRCh38, 1-based): chr16:75,541,405, C>G on the plus strand (G>C on the coding strand, the complement: TMEM231 is on the minus strand). VCF-style: chr16-75541405-C-G. GRCh37 (hg19) VCF-style: chr16-75575303-C-G.
Other names: c.874G>C, p.Ala292Pro (NM_001077416.2); short protein forms A292P, A239P.
Identifiers: ClinVar variation 2150889 (VCV002150889.5), dbSNP rs139236786, ClinGen allele CA8176064.
Genomic context (GRCh38, chr16:75,541,405, plus strand): 5'-GATATGAAATGACTTCCACAGGGTATCGGATGATAGCATTAATCACAAATGGAGCATCTG[C>G]GGCCCTGCCCACCAGCCAGATGGGGTTGGGATCATTCAGGACGGTGGTAACTGCAATGCA-3'
Protein context (NP_001070886.1, residues 229-249): PNPIWLVGRA[Ala239Pro]DAPFVINAII

ClinVar aggregate classification (germline): Uncertain significance. Review status: criteria provided, multiple submitters, no conflicts (2 of 4 stars). 2 submissions from 2 submitters: Uncertain significance (2). Last evaluated 2022-07-26.

Conditions:
Meckel syndrome, type 11 (MKS11). Identifiers: Orphanet 564, MedGen C3809352, MONDO:0014164, OMIM 615397.
Joubert syndrome 20 (JBTS20). Identifiers: Orphanet 475, MedGen C3554235, MONDO:0013994, OMIM 614970.

Allele frequency attached by ClinVar (database versions not stated): 1000 Genomes Project 30x 0.00016; 1000 Genomes Project 0.00020.
gnomAD v4.1: 4 of 1,611,808 alleles (0.00025%); highest among the groups gnomAD compares: Non-Finnish European, 0.00034%; no homozygotes.

Submissions (2):

Labcorp Genetics (formerly Invitae), Labcorp
Classification: Uncertain significance for Joubert syndrome 20; Meckel syndrome, type 11. Last evaluated: 2022-07-26. Review status: criteria provided, single submitter. Criteria: Invitae Variant Classification Sherloc (09022015). Collection method: clinical testing. Allele origin: germline.
Comment: In summary, the available evidence is currently insufficient to determine the role of this variant in disease. Therefore, it has been classified as a Variant of Uncertain Significance. Algorithms developed to predict the effect of missense changes on protein structure and function are either unavailable or do not agree on the potential impact of this missense change (SIFT: "Deleterious"; PolyPhen-2: "Not Available"; Align-GVGD: "Class C0"). This variant has not been reported in the literature in individuals affected with TMEM231-related conditions. This variant is present in population databases (rs139236786, gnomAD 0.0009%). This sequence change replaces alanine, which is neutral and non-polar, with proline, which is neutral and non-polar, at codon 292 of the TMEM231 protein (p.Ala292Pro).

Blueprint Genetics
Classification: Uncertain significance. Last evaluated: 2020-12-18. Review status: criteria provided, single submitter. Criteria: ACMG Guidelines, 2015. Collection method: clinical testing. Allele origin: germline.